The following is an entry in ClinVar:

NM_007118.4(TRIO):c.6465C>T (p.Asp2155=)

Gene: TRIO (trio Rho guanine nucleotide exchange factor; plus strand). Cytogenetic location: 5p15.2.
Variant type: single nucleotide variant.
Coding change: c.6465C>T on transcript NM_007118.4 (MANE Select); coding-DNA position 6465, C replaced by T.
Protein change: p.Asp2155=; no amino-acid change (aspartic acid 2155 retained).
Molecular consequence: synonymous variant. On other transcripts: non-coding transcript variant (1).
Genome position (GRCh38, 1-based): chr5:14,481,618, C>T. VCF-style: chr5-14481618-C-T. GRCh37 (hg19) VCF-style: chr5-14481727-C-T.
Identifiers: ClinVar variation 3352984 (VCV003352984.1).

ClinVar aggregate classification (germline): Likely benign (0 of 4 stars; one submission).

Conditions:
TRIO-related disorder. Also called: TRIO-related condition; TRIO-related disorders.

gnomAD v4.1: 36 of 1,614,114 alleles (0.0022%); highest among the groups gnomAD compares: East Asian, 0.06%; no homozygotes.

Submission:

PreventionGenetics, part of Exact Sciences
Classification: Likely benign for TRIO-related condition. Last evaluated: 2024-03-05. Review status: no assertion criteria provided. Collection method: clinical testing. Allele origin: germline.
Comment: This variant is classified as likely benign based on ACMG/AMP sequence variant interpretation guidelines (Richards et al. 2015 PMID: 25741868, with internal and published modifications).